The following is an entry in ClinVar:

ClinVar aggregate classification (germline): Pathogenic (1 of 4 stars; one submission).

Conditions:
Hypophosphatasia. Also called: Phosphoethanol-aminuria. Identifiers: Orphanet 436, MedGen C0020630, MeSH D007014, MONDO:0018570.

Submission:

Genomenon, Inc
Classification: Pathogenic for Hypophosphatasia. Last evaluated: 2026-09-01. Review status: criteria provided, single submitter. Criteria: Genomenon Sequence Variant Interpretation Standards - Updated. Collection method: curation. Allele origin: germline. Affected: no.
Comment: ALPL p.Trp186GlyfsTer12 (c.555del) is a frameshift variant that is predicted to introduce a premature termination codon and result in a truncated or absent protein product. To our knowledge, this variant has not been reported in patients affected with an ALPL-related disorder in the published literature. At least one functional study has demonstrated a substantial alteration in protein function relative to the wild-type (PMID:40530336). It is absent or not present at a significant frequency in gnomAD. In conclusion, we classify ALPL p.Trp186GlyfsTer12 (c.555del) as a pathogenic variant.

Literature cited by the submitters: PubMed 40530336.

NM_000478.6(ALPL):c.555del (p.Trp186fs)

Gene: ALPL (alkaline phosphatase, biomineralization associated; plus strand). Cytogenetic location: 1p36.12.
Variant type: Deletion.
Coding change: c.555del on transcript NM_000478.6 (MANE Select); coding-DNA position 555, one base deleted (C; older notation c.555delC).
Protein change: p.Trp186fs; shifts the reading frame from tryptophan 186.
Molecular consequence: frameshift variant.
Genome position (GRCh38, 1-based): chr1:21,564,123, C deleted. VCF-style (leftmost placement, unchanged base first): chr1-21564122-AC-A. GRCh37 (hg19) VCF-style: chr1-21890615-AC-A.
Other names: c.390del, p.Trp131fs (NM_001127501.4); c.324del, p.Trp109fs (NM_001177520.3); c.555del, p.Trp186fs (NM_001369803.2, NM_001369804.2, NM_001369805.2); short protein forms W109fs, W131fs, W186fs.
Identifiers: ClinVar variation 4974810 (VCV004974810.1).
Genomic context (GRCh38, chr1:21,564,122, plus strand): 5'-CCACCACGAGAGTGAACCATGCCACCCCCAGCGCCGCCTACGCCCACTCGGCTGACCGGG[AC>A]TGGTACTCAGACAACGAGATGCCCCCTGAGGCCTTGAGCCAGGGCTGTAAGGACATCGCC-3'